The following is an entry in ClinVar:

ClinVar aggregate classification (germline): Uncertain significance. Review status: criteria provided, multiple submitters, no conflicts (2 of 4 stars). 2 submissions from 2 submitters: Uncertain significance (2). Last evaluated 2022-12-19.

Conditions:
Inborn genetic diseases. Identifiers: MedGen C0950123, MeSH D030342.

Allele frequency attached by ClinVar (database versions not stated): gnomAD exomes below 0.00001 and 0.00001; TOPMed below 0.00001; gnomAD 0.00001.
gnomAD v4.1: 9 of 1,613,890 alleles (0.00056%); highest among the groups gnomAD compares: South Asian, 0.0011%; no homozygotes.

Submissions (2):

Ambry Genetics
Classification: Uncertain significance for Inborn genetic diseases. Last evaluated: 2022-12-19. Review status: criteria provided, single submitter. Criteria: Ambry Variant Classification Scheme 2023. Collection method: clinical testing. Allele origin: germline.

Labcorp Genetics (formerly Invitae), Labcorp
Classification: Uncertain significance. Last evaluated: 2022-07-12. Review status: criteria provided, single submitter. Criteria: Invitae Variant Classification Sherloc (09022015). Collection method: clinical testing. Allele origin: germline.
Comment: In summary, the available evidence is currently insufficient to determine the role of this variant in disease. Therefore, it has been classified as a Variant of Uncertain Significance. Advanced modeling of protein sequence and biophysical properties (such as structural, functional, and spatial information, amino acid conservation, physicochemical variation, residue mobility, and thermodynamic stability) performed at Invitae indicates that this missense variant is not expected to disrupt FAT4 protein function. ClinVar contains an entry for this variant (Variation ID: 1448044). This variant has not been reported in the literature in individuals affected with FAT4-related conditions. This variant is present in population databases (no rsID available, gnomAD 0.003%). This sequence change replaces valine, which is neutral and non-polar, with isoleucine, which is neutral and non-polar, at codon 2037 of the FAT4 protein (p.Val2037Ile).

NM_001291303.3(FAT4):c.6109G>A (p.Val2037Ile)

Gene: FAT4 (FAT atypical cadherin 4; plus strand). Cytogenetic location: 4q28.1.
Variant type: single nucleotide variant.
Coding change: c.6109G>A on transcript NM_001291303.3 (MANE Select); coding-DNA position 6109, G replaced by A.
Protein change: p.Val2037Ile; replaces valine 2037 with isoleucine.
Molecular consequence: missense variant.
Genome position (GRCh38, 1-based): chr4:125,415,072, G>A. VCF-style: chr4-125415072-G-A. GRCh37 (hg19) VCF-style: chr4-126336227-G-A.
Other names: c.6109G>A, p.Val2037Ile (NM_001291285.3, NM_024582.6); c.6109G>A (NM_024582.4); short protein forms V2037I.
Identifiers: ClinVar variation 1448044 (VCV001448044.7), dbSNP rs1192093557, ClinGen allele CA358127396.
Genomic context (GRCh38, chr4:125,415,072, plus strand): 5'-GTTGTTCAAGTGCATGACCTGCCACAGATTCCAGCCTCCAGATTCACAAGCACTGCTCAA[G>A]TCTCCATTATTTTGTTGGATGTAAATGATAACCCACCGACATTTCTTTCCCCTAAATTGA-3'
Protein context (NP_001278232.1, residues 2027-2047): PASRFTSTAQ[Val2037Ile]SIILLDVNDN